The following is an entry in ClinVar:

ClinVar aggregate classification (germline): Pathogenic/Likely pathogenic. Review status: criteria provided, multiple submitters, no conflicts (2 of 4 stars). 3 submissions from 3 submitters: Pathogenic (2); Likely pathogenic (1). Last evaluated 2025-06-13.

Conditions:
Charcot-Marie-Tooth disease axonal type 2S. Also called: CHARCOT-MARIE-TOOTH NEUROPATHY, TYPE 2S; CHARCOT-MARIE-TOOTH DISEASE, AXONAL, AUTOSOMAL RECESSIVE, TYPE 2S. Identifiers: Orphanet 443073, MedGen C4015349, MONDO:0014511, OMIM 616155.
Autosomal recessive distal spinal muscular atrophy 1. Also called: NEURONOPATHY, DISTAL HEREDITARY MOTOR, HARDING TYPE VI; NEUROPATHY, DISTAL HEREDITARY MOTOR, AUTOSOMAL RECESSIVE 1; HMN VI; NEURONOPATHY, SEVERE INFANTILE AXONAL, WITH RESPIRATORY FAILURE; SEVERE INFANTILE AXONAL NEUROPATHY WITH RESPIRATORY FAILURE; SPINAL MUSCULAR ATROPHY, DIAPHRAGMATIC. Identifiers: Orphanet 98920, MedGen C1858517, MONDO:0011436, OMIM 604320.

gnomAD v4.1: 5 of 1,614,084 alleles (0.00031%); highest among the groups gnomAD compares: South Asian, 0.0022%; no homozygotes.

Submissions (3):

Women's Health and Genetics/Laboratory Corporation of America, LabCorp
Classification: Pathogenic for Charcot-Marie-Tooth disease axonal type 2S. Last evaluated: 2025-06-13. Review status: criteria provided, single submitter. Criteria: LabCorp Variant Classification Summary - May 2015. Collection method: clinical testing. Allele origin: germline.
Comment: Variant summary: IGHMBP2 c.791G>T (p.Arg264Leu) results in a non-conservative amino acid change in the encoded protein sequence. Algorithms developed to predict the effect of missense changes on protein structure and function all suggest that this variant is likely to be disruptive. The variant allele was found at a frequency of 8e-06 in 251468 control chromosomes (gnomAD). c.791G>T has been observed in individuals affected with Charcot-Marie-Tooth disease axonal type 2 (Antoniadi_2015, Labcorp (formerly Invitae)). These data indicate that the variant is likely to be associated with disease. A different variant affecting the same codon has been classified as likely pathogenic by our lab (c.791G>A, p.Arg264His), supporting the critical relevance of codon 264 to IGHMBP2 protein function. The following publication has been ascertained in the context of this evaluation (PMID: 26392352). ClinVar contains an entry for this variant (Variation ID: 466598). Based on the evidence outlined above, the variant was classified as pathogenic.

Labcorp Genetics (formerly Invitae), Labcorp
Classification: Pathogenic for Autosomal recessive distal spinal muscular atrophy 1; Charcot-Marie-Tooth disease axonal type 2S. Last evaluated: 2024-03-11. Review status: criteria provided, single submitter. Criteria: Invitae Variant Classification Sherloc (09022015). Collection method: clinical testing. Allele origin: germline.
Comment: This sequence change replaces arginine, which is basic and polar, with leucine, which is neutral and non-polar, at codon 264 of the IGHMBP2 protein (p.Arg264Leu). This variant is present in population databases (rs777575504, gnomAD 0.006%). This missense change has been observed in individual(s) with Charcot-Marie-Tooth disease (PMID: 26392352; Invitae). In at least one individual the data is consistent with being in trans (on the opposite chromosome) from a pathogenic variant. ClinVar contains an entry for this variant (Variation ID: 466598). Advanced modeling of protein sequence and biophysical properties (such as structural, functional, and spatial information, amino acid conservation, physicochemical variation, residue mobility, and thermodynamic stability) performed at Invitae indicates that this missense variant is expected to disrupt IGHMBP2 protein function with a positive predictive value of 95%. For these reasons, this variant has been classified as Pathogenic.

Revvity Omics, Revvity
Classification: Likely pathogenic. Last evaluated: 2023-03-02. Review status: criteria provided, single submitter. Criteria: ACMG Guidelines, 2015. Collection method: clinical testing. Allele origin: germline.

Literature cited by the submitters: PubMed 26392352 (cited by Women's Health and Genetics/Laboratory Corporation of America, LabCorp and Labcorp Genetics (formerly Invitae), Labcorp).

NM_002180.3(IGHMBP2):c.791G>T (p.Arg264Leu)

Gene: IGHMBP2 (immunoglobulin mu DNA binding protein 2; plus strand). Cytogenetic location: 11q13.3.
Variant type: single nucleotide variant.
Coding change: c.791G>T on transcript NM_002180.3 (MANE Select); coding-DNA position 791, G replaced by T.
Protein change: p.Arg264Leu; replaces arginine 264 with leucine.
Molecular consequence: missense variant.
Genome position (GRCh38, 1-based): chr11:68,914,902, G>T. VCF-style: chr11-68914902-G-T. GRCh37 (hg19) VCF-style: chr11-68682370-G-T.
Other names: short protein forms R264L.
Identifiers: ClinVar variation 466598 (VCV000466598.14), dbSNP rs777575504, ClinGen allele CA6153397.
Genomic context (GRCh38, chr11:68,914,902, plus strand): 5'-CCAACATCGCCGTGGACAATCTGGTGGAGCGCCTGGCTCTGTGTAAGCAGCGGATTCTGC[G>T]CCTGGGACACCCTGCCCGCCTCCTGGAGTCCATTCAGCAGCACTCCCTGGATGCGGTTTT-3'
Protein context (NP_002171.2, residues 254-274): RLALCKQRIL[Arg264Leu]LGHPARLLES